The following is an entry in ClinVar:

ClinVar aggregate classification (germline): Uncertain significance. Review status: criteria provided, multiple submitters, no conflicts (2 of 4 stars). 2 submissions from 2 submitters: Uncertain significance (2). Last evaluated 2023-04-20.

Conditions:
Ataxia-telangiectasia syndrome (AT). Also called: Cerebello-oculocutaneous telangiectasia; Immunodeficiency with ataxia telangiectasia; Ataxia-telangiectasia, complementation group E; Ataxia-telangiectasia, complementation group D; AT, COMPLEMENTATION GROUP C; ATAXIA-TELANGIECTASIA, COMPLEMENTATION GROUP A. Identifiers: Orphanet 100, MedGen C0004135, MONDO:0008840, OMIM 208900.

Submissions (2):

GeneDx
Classification: Uncertain significance. Last evaluated: 2023-04-20. Review status: criteria provided, single submitter. Criteria: GeneDx Variant Classification Process June 2021. Collection method: clinical testing. Allele origin: germline. Affected: yes.
Comment: Not observed at significant frequency in large population cohorts (gnomAD); In silico analysis supports that this missense variant has a deleterious effect on protein structure/function; Has not been previously published as pathogenic or benign to our knowledge; This variant is associated with the following publications: (PMID: 15279808, 23532176)

Labcorp Genetics (formerly Invitae), Labcorp
Classification: Uncertain significance for Ataxia-telangiectasia syndrome. Last evaluated: 2017-09-06. Review status: criteria provided, single submitter. Criteria: Invitae Variant Classification Sherloc (09022015). Collection method: clinical testing. Allele origin: germline.
Comment: In summary, the available evidence is currently insufficient to determine the role of this variant in disease. Therefore, it has been classified as a Variant of Uncertain Significance. Algorithms developed to predict the effect of missense changes on protein structure and function (SIFT, PolyPhen-2, Align-GVGD) all suggest that this variant is likely to be disruptive, but these predictions have not been confirmed by published functional studies and their clinical significance is uncertain. This variant has not been reported in the literature in individuals with ATM-related disease. This variant is not present in population databases (ExAC no frequency). This sequence change replaces arginine with isoleucine at codon 2723 of the ATM protein (p.Arg2723Ile). The arginine residue is highly conserved and there is a moderate physicochemical difference between arginine and isoleucine.

NM_000051.4(ATM):c.8168G>T (p.Arg2723Ile)

Genes: ATM (ATM serine/threonine kinase; plus strand), C11orf65 (chromosome 11 open reading frame 65; minus strand). Cytogenetic location: 11q22.3.
Variant type: single nucleotide variant.
Coding change: c.8168G>T on transcript NM_000051.4 (MANE Select); coding-DNA position 8168, G replaced by T.
Protein change: p.Arg2723Ile; replaces arginine 2723 with isoleucine.
Molecular consequence: missense variant. On other transcripts: intron variant (2).
Genome position (GRCh38, 1-based): chr11:108,335,861, G>T. VCF-style: chr11-108335861-G-T. GRCh37 (hg19) VCF-style: chr11-108206588-G-T.
Other names: c.8168G>T, p.Arg2723Ile (NM_001351834.2); c.641-26790C>A (NM_001330368.2); c.695-569C>A (NM_001351110.2); short protein forms R2723I.
Identifiers: ClinVar variation 524227 (VCV000524227.10), dbSNP rs1555128301, ClinGen allele CA382562486.
Genomic context (GRCh38, chr11:108,335,861, plus strand): 5'-TAAAATAAACTGTACTTGTTTATTCATGCTTAATTATTCTGAAGGGCCGTGATGACCTGA[G>T]ACAAGATGCTGTCATGCAACAGGTCTTCCAGATGTGTAATACATTACTGCAGAGAAACAC-3'
Protein context (NP_000042.3, residues 2713-2733): RQLVKGRDDL[Arg2723Ile]QDAVMQQVFQ